The following is an entry in ClinVar:

ClinVar aggregate classification (germline): Uncertain significance (1 of 4 stars; one submission).

Allele frequency attached by ClinVar (database versions not stated): gnomAD exomes 0.00001; ExAC 0.00003; TOPMed 0.00003; gnomAD 0.00001.

Submission:

Labcorp Genetics (formerly Invitae), Labcorp
Classification: Uncertain significance. Last evaluated: 2023-08-10. Review status: criteria provided, single submitter. Criteria: Invitae Variant Classification Sherloc (09022015). Collection method: clinical testing. Allele origin: germline.
Comment: In summary, the available evidence is currently insufficient to determine the role of this variant in disease. Therefore, it has been classified as a Variant of Uncertain Significance. An algorithm developed to predict the effect of missense changes on protein structure and function (PolyPhen-2) suggests that this variant is likely to be tolerated. ClinVar contains an entry for this variant (Variation ID: 2191949). This variant has not been reported in the literature in individuals affected with ARNT2-related conditions. This variant is present in population databases (rs766811543, gnomAD 0.03%). This sequence change replaces methionine, which is neutral and non-polar, with threonine, which is neutral and polar, at codon 116 of the ARNT2 protein (p.Met116Thr).

NM_014862.4(ARNT2):c.347T>C (p.Met116Thr)

Gene: ARNT2 (aryl hydrocarbon receptor nuclear translocator 2; plus strand). Cytogenetic location: 15q25.1.
Variant type: single nucleotide variant.
Coding change: c.347T>C on transcript NM_014862.4 (MANE Select); coding-DNA position 347, T replaced by C.
Protein change: p.Met116Thr; replaces methionine 116 with threonine.
Molecular consequence: missense variant.
Genome position (GRCh38, 1-based): chr15:80,470,370, T>C. VCF-style: chr15-80470370-T-C. GRCh37 (hg19) VCF-style: chr15-80762711-T-C.
Other names: short protein forms M116T.
Identifiers: ClinVar variation 2191949 (VCV002191949.4), dbSNP rs766811543, ClinGen allele CA7691674.